The following is an entry in ClinVar:

ClinVar aggregate classification (germline): Uncertain significance. Review status: criteria provided, multiple submitters, no conflicts (2 of 4 stars). 2 submissions from 2 submitters: Uncertain significance (2). Last evaluated 2025-01-16.

Conditions:
Inborn genetic diseases. Identifiers: MedGen C0950123, MeSH D030342.

Allele frequency attached by ClinVar (database versions not stated): gnomAD exomes below 0.00001; TOPMed below 0.00001; gnomAD 0.00003.
gnomAD v4.1: 7 of 1,613,282 alleles (0.00043%); highest among the groups gnomAD compares: Admixed American, 0.0083%; no homozygotes.

Submissions (2):

Ambry Genetics
Classification: Uncertain significance for Inborn genetic diseases. Last evaluated: 2025-01-16. Review status: criteria provided, single submitter. Criteria: Ambry Variant Classification Scheme 2023. Collection method: clinical testing. Allele origin: germline.

Labcorp Genetics (formerly Invitae), Labcorp
Classification: Uncertain significance. Last evaluated: 2022-03-28. Review status: criteria provided, single submitter. Criteria: Invitae Variant Classification Sherloc (09022015). Collection method: clinical testing. Allele origin: germline.
Comment: This variant has not been reported in the literature in individuals affected with MPDZ-related conditions. In summary, the available evidence is currently insufficient to determine the role of this variant in disease. Therefore, it has been classified as a Variant of Uncertain Significance. Algorithms developed to predict the effect of missense changes on protein structure and function are either unavailable or do not agree on the potential impact of this missense change (SIFT: "Deleterious"; PolyPhen-2: "Probably Damaging"; Align-GVGD: "Class C0"). This variant is present in population databases (no rsID available, gnomAD 0.006%). This sequence change replaces glycine, which is neutral and non-polar, with valine, which is neutral and non-polar, at codon 1853 of the MPDZ protein (p.Gly1853Val).

NM_001378778.1(MPDZ):c.5645G>T (p.Gly1882Val)

Gene: MPDZ (multiple PDZ domain crumbs cell polarity complex component; minus strand). Cytogenetic location: 9p23.
Variant type: single nucleotide variant.
Coding change: c.5645G>T on transcript NM_001378778.1 (MANE Select); coding-DNA position 5645, G replaced by T.
Protein change: p.Gly1882Val; replaces glycine 1882 with valine.
Molecular consequence: missense variant.
Genome position (GRCh38, 1-based): chr9:13,112,103, C>A on the plus strand (G>T on the coding strand, the complement: MPDZ is on the minus strand). VCF-style: chr9-13112103-C-A. GRCh37 (hg19) VCF-style: chr9-13112102-C-A.
Other names: c.5546G>T, p.Gly1849Val (NM_001261406.2, NM_001375416.1, NM_001375417.1 and 1 more transcripts); c.5459G>T, p.Gly1820Val (NM_001261407.2, NM_001375419.1); c.5645G>T, p.Gly1882Val (NM_001330637.2); c.5744G>T, p.Gly1915Val (NM_001375413.1); c.5435G>T, p.Gly1812Val (NM_001375420.1, NM_001375421.1, NM_001375422.1 and 2 more transcripts); c.5348G>T, p.Gly1783Val (NM_001375425.1, NM_001375426.1); c.5237G>T, p.Gly1746Val (NM_001375427.1); c.5558G>T, p.Gly1853Val (NM_003829.5); and 1 more; short protein forms G1746V, G1812V, G1853V, G1783V, G1820V, G1849V, G1882V, G1915V.
Identifiers: ClinVar variation 1927858 (VCV001927858.4), dbSNP rs1325222450, ClinGen allele CA372941448.